The following is an entry in ClinVar:

ClinVar aggregate classification (germline): Uncertain significance (1 of 4 stars; one submission).

Conditions:
Hereditary cancer-predisposing syndrome. Also called: Tumor predisposition; Hereditary Cancer Syndrome; Hereditary neoplastic syndrome; Neoplastic Syndromes, Hereditary. Identifiers: Orphanet 140162, MedGen C0027672, MeSH D009386, MONDO:0015356.

Submission:

Ambry Genetics
Classification: Uncertain significance for Hereditary cancer-predisposing syndrome. Last evaluated: 2026-03-02. Review status: criteria provided, single submitter. Criteria: Ambry Variant Classification Scheme 2023. Collection method: clinical testing. Allele origin: germline.
Comment: The c.3105_3113+28dup37 variant results from a duplication of 37 nucleotides between positions c.3105 and c.3113+28 and involves the canonical splice donor site after coding exon 10 of the PALB2 gene. In silico splice site analysis predicts that this alteration will weaken the native splice donor site and will result in the creation or strengthening of a novel splice donor site; however, the exact impact of this duplication on splicing and function is currently unknown. The canonical splice donor site is well conserved in available vertebrate species. Based on the available evidence, the clinical significance of this variant remains unclear.

NM_024675.4(PALB2):c.3105_3113+28dup

Gene: PALB2 (partner and localizer of BRCA2; minus strand). Cytogenetic location: 16p12.2.
Variant type: Duplication.
Coding change: c.3105_3113+28dup on transcript NM_024675.4 (MANE Select); coding-DNA position 3105 through 28 bases into the intron after coding-DNA position 3113, 37 bases duplicated.
Molecular consequence: splice donor variant.
Genome position (GRCh38, 1-based): chr16:23,621,334-23,621,370, 37 bases duplicated. GRCh37 (hg19): chr16:23,632,655-23,632,691.
Identifiers: ClinVar variation 1727677 (VCV001727677.3), dbSNP rs2506316361, ClinGen allele CA2580091264.